The following is an entry in ClinVar:

ClinVar aggregate classification (germline): Uncertain significance (1 of 4 stars; one submission).

Conditions:
Hereditary cancer-predisposing syndrome. Also called: Tumor predisposition; Hereditary Cancer Syndrome; Hereditary neoplastic syndrome; Neoplastic Syndromes, Hereditary. Identifiers: Orphanet 140162, MedGen C0027672, MeSH D009386, MONDO:0015356.

Submission:

Labcorp Genetics (formerly Invitae), Labcorp
Classification: Uncertain significance for Hereditary cancer-predisposing syndrome. Last evaluated: 2023-05-24. Review status: criteria provided, single submitter. Criteria: Invitae Variant Classification Sherloc (09022015). Collection method: clinical testing. Allele origin: germline.
Comment: This variant is not present in population databases (gnomAD no frequency). This sequence change replaces glutamic acid, which is acidic and polar, with lysine, which is basic and polar, at codon 448 of the RAD50 protein (p.Glu448Lys). This variant has not been reported in the literature in individuals affected with RAD50-related conditions. In summary, the available evidence is currently insufficient to determine the role of this variant in disease. Therefore, it has been classified as a Variant of Uncertain Significance. Advanced modeling of protein sequence and biophysical properties (such as structural, functional, and spatial information, amino acid conservation, physicochemical variation, residue mobility, and thermodynamic stability) performed at Invitae indicates that this missense variant is not expected to disrupt RAD50 protein function.

NM_005732.4(RAD50):c.1342G>A (p.Glu448Lys)

Gene: RAD50 (RAD50 double strand break repair protein; plus strand). Cytogenetic location: 5q31.1.
Variant type: single nucleotide variant.
Coding change: c.1342G>A on transcript NM_005732.4 (MANE Select); coding-DNA position 1342, G replaced by A.
Protein change: p.Glu448Lys; replaces glutamic acid 448 with lysine.
Molecular consequence: missense variant.
Genome position (GRCh38, 1-based): chr5:132,589,727, G>A. VCF-style: chr5-132589727-G-A. GRCh37 (hg19) VCF-style: chr5-131925419-G-A.
Other names: short protein forms E448K.
Identifiers: ClinVar variation 2814442 (VCV002814442.3), dbSNP rs1218918009, ClinGen allele CA360944144.